The following is an entry in ClinVar:

ClinVar aggregate classification (germline): Uncertain significance. Review status: criteria provided, multiple submitters, no conflicts (2 of 4 stars). 3 submissions from 3 submitters: Uncertain significance (3). Last evaluated 2026-02-23.

Conditions:
Charcot-Marie-Tooth disease axonal type 2C (HMSN2C). Also called: Charcot-Marie-Tooth Disease Type 2, TRPV4-Related (CMT2C); CHARCOT-MARIE-TOOTH DISEASE, AXONAL, AUTOSOMAL DOMINANT, TYPE 2C; Charcot-Marie-Tooth Neuropathy Type 2C. Identifiers: Orphanet 99937, MedGen C1853710, MONDO:0011633, OMIM 606071.
Inborn genetic diseases. Identifiers: MedGen C0950123, MeSH D030342.

Allele frequency attached by ClinVar (database versions not stated): gnomAD exomes 0.00001.
gnomAD v4.1: 9 of 1,614,054 alleles (0.00056%); highest among the groups gnomAD compares: Non-Finnish European, 0.00068%; no homozygotes.

Submissions (3):

Ambry Genetics
Classification: Uncertain significance for Inborn genetic diseases. Last evaluated: 2026-02-23. Review status: criteria provided, single submitter. Criteria: Ambry Variant Classification Scheme 2023. Collection method: clinical testing. Allele origin: germline.

Women's Health and Genetics/Laboratory Corporation of America, LabCorp
Classification: Uncertain significance. Last evaluated: 2025-05-13. Review status: criteria provided, single submitter. Criteria: LabCorp Variant Classification Summary - May 2015. Collection method: clinical testing. Allele origin: germline.
Comment: Variant summary: TRPV4 c.752A>G (p.Lys251Arg) results in a conservative amino acid change in the encoded protein sequence. Algorithms developed to predict the effect of missense changes on protein structure and function are either unavailable or do not agree on the potential impact of this missense change. The variant allele was found at a frequency of 5.6e-06 in 1607080 control chromosomes. The available data on variant occurrences in the general population are insufficient to allow any conclusion about variant significance. To our knowledge, no occurrence of c.752A>G in individuals affected with TRPV4-Related Hereditary Motor And Sensory Neuropathy and no experimental evidence demonstrating its impact on protein function have been reported. ClinVar contains an entry for this variant (Variation ID: 1039919). Based on the evidence outlined above, the variant was classified as uncertain significance.

Labcorp Genetics (formerly Invitae), Labcorp
Classification: Uncertain significance for Charcot-Marie-Tooth disease axonal type 2C. Last evaluated: 2021-04-20. Review status: criteria provided, single submitter. Criteria: Invitae Variant Classification Sherloc (09022015). Collection method: clinical testing. Allele origin: germline.
Comment: This sequence change replaces lysine with arginine at codon 251 of the TRPV4 protein (p.Lys251Arg). The lysine residue is moderately conserved and there is a small physicochemical difference between lysine and arginine. This variant is not present in population databases (ExAC no frequency). This variant has not been reported in the literature in individuals with TRPV4-related conditions. Algorithms developed to predict the effect of missense changes on protein structure and function are either unavailable or do not agree on the potential impact of this missense change (SIFT: "Tolerated"; PolyPhen-2: "Possibly Damaging"; Align-GVGD: "Class C0"). Algorithms developed to predict the effect of sequence changes on RNA splicing suggest that this variant may create or strengthen a splice site, but this prediction has not been confirmed by published transcriptional studies. In summary, the available evidence is currently insufficient to determine the role of this variant in disease. Therefore, it has been classified as a Variant of Uncertain Significance.

NM_021625.5(TRPV4):c.752A>G (p.Lys251Arg)

Gene: TRPV4 (transient receptor potential cation channel subfamily V member 4; minus strand). Cytogenetic location: 12q24.11.
Variant type: single nucleotide variant.
Coding change: c.752A>G on transcript NM_021625.5 (MANE Select); coding-DNA position 752, A replaced by G.
Protein change: p.Lys251Arg; replaces lysine 251 with arginine.
Molecular consequence: missense variant. On other transcripts: intron variant (2).
Genome position (GRCh38, 1-based): chr12:109,800,719, T>C on the plus strand (A>G on the coding strand, the complement: TRPV4 is on the minus strand). VCF-style: chr12-109800719-T-C. GRCh37 (hg19) VCF-style: chr12-110238524-T-C.
Other names: c.650A>G, p.Lys217Arg (NM_001177431.2); c.752A>G, p.Lys251Arg (NM_147204.3); c.713-1807A>G (NM_001177433.1, NM_001177428.1); short protein forms K251R, K217R.
Identifiers: ClinVar variation 1039919 (VCV001039919.10), dbSNP rs1890725320, ClinGen allele CA386655438.